The following is an entry in ClinVar:

ClinVar aggregate classification (germline): Pathogenic (1 of 4 stars; one submission).

Conditions:
Nephronophthisis. Also called: Juvenile Nephronophthisis. Identifiers: Orphanet 655, MedGen C0687120, MONDO:0019005, HP:0000090.

Submission:

Labcorp Genetics (formerly Invitae), Labcorp
Classification: Pathogenic for Nephronophthisis. Last evaluated: 2023-06-16. Review status: criteria provided, single submitter. Criteria: Invitae Variant Classification Sherloc (09022015). Collection method: clinical testing. Allele origin: germline.
Comment: For these reasons, this variant has been classified as Pathogenic. This variant has not been reported in the literature in individuals affected with IQCB1-related conditions. Information on the frequency of this variant in the gnomAD database is not available, as this variant may be reported differently in the database. This sequence change creates a premature translational stop signal (p.Lys438_Lys439delinsAsn*) in the IQCB1 gene. It is expected to result in an absent or disrupted protein product. Loss-of-function variants in IQCB1 are known to be pathogenic (PMID: 15723066, 21901789, 23559409, 28041643).

Literature cited by the submitters: PubMed 15723066; PubMed 21901789; PubMed 23559409; PubMed 28041643.

NM_001023570.4(IQCB1):c.1314_1315delinsCT (p.Lys438_Lys439delinsAsnTer)

Gene: IQCB1 (IQ motif containing B1; minus strand). Cytogenetic location: 3q13.33.
Variant type: Indel.
Coding change: c.1314_1315delinsCT on transcript NM_001023570.4 (MANE Select); coding-DNA positions 1314 to 1315, GA replaced by CT.
Protein change: p.Lys438_Lys439delinsAsnTer.
Molecular consequence: nonsense. On other transcripts: non-coding transcript variant (1).
Genome position (GRCh38, 1-based): chr3:121,781,838-121,781,839, TC replaced by AG on the plus strand (GA replaced by CT on the coding strand, the reverse complement: IQCB1 is on the minus strand). VCF-style: chr3-121781838-TC-AG. GRCh37 (hg19) VCF-style: chr3-121500685-TC-AG.
Other names: c.915_916delinsCT, p.Lys305_Lys306delinsAsnTer (NM_001023571.4); c.1314_1315delinsCT, p.Lys438_Lys439delinsAsnTer (NM_001319107.2).
Identifiers: ClinVar variation 2852719 (VCV002852719.3), dbSNP rs2547597830, ClinGen allele CA2739279119.